The following is an entry in ClinVar:

ClinVar aggregate classification (germline): Uncertain significance. Review status: criteria provided, multiple submitters, no conflicts (2 of 4 stars). 3 submissions from 3 submitters: Uncertain significance (3). Last evaluated 2022-09-07.

Conditions:
Neuronal ceroid lipofuscinosis 3 (CLN3). Identifiers: Orphanet 228346, MedGen C0751383, MONDO:0008767, OMIM 204200.
Neuronal ceroid lipofuscinosis. Also called: Neuronal Ceroid Lipofuscinoses. Identifiers: Orphanet 216, Orphanet 79263, MedGen C0027877, MONDO:0016295. Disease mechanism: loss of function.

Allele frequency attached by ClinVar (database versions not stated): gnomAD 0.00003; gnomAD exomes 0.00001.
gnomAD v4.1: 3 of 1,612,750 alleles (0.00019%); highest among the groups gnomAD compares: Admixed American, 0.005%; no homozygotes.

Submissions (3):

Labcorp Genetics (formerly Invitae), Labcorp
Classification: Uncertain significance for Neuronal ceroid lipofuscinosis. Last evaluated: 2022-09-07. Review status: criteria provided, single submitter. Criteria: Invitae Variant Classification Sherloc (09022015). Collection method: clinical testing. Allele origin: germline.
Comment: Algorithms developed to predict the effect of missense changes on protein structure and function are either unavailable or do not agree on the potential impact of this missense change (SIFT: "Deleterious"; PolyPhen-2: "Probably Damaging"; Align-GVGD: "Class C0"). ClinVar contains an entry for this variant (Variation ID: 581864). This variant has not been reported in the literature in individuals affected with CLN3-related conditions. This variant is present in population databases (no rsID available, gnomAD 0.009%). This sequence change replaces serine, which is neutral and polar, with tyrosine, which is neutral and polar, at codon 215 of the CLN3 protein (p.Ser215Tyr). In summary, the available evidence is currently insufficient to determine the role of this variant in disease. Therefore, it has been classified as a Variant of Uncertain Significance.

Genome-Nilou Lab
Classification: Uncertain significance for Neuronal ceroid lipofuscinosis 3. Last evaluated: 2021-09-05. Review status: criteria provided, single submitter. Criteria: ACMG Guidelines, 2015. Collection method: clinical testing. Allele origin: germline. Affected: no.

Baylor Genetics
Classification: Uncertain significance for Neuronal ceroid lipofuscinosis 3. Last evaluated: 2020-09-17. Review status: criteria provided, single submitter. Criteria: ACMG Guidelines, 2015. Collection method: clinical testing. Allele origin: unknown. Affected: yes.
Comment: This variant was determined to be of uncertain significance according to ACMG Guidelines, 2015 [PMID:25741868].

NM_001042432.2(CLN3):c.644C>A (p.Ser215Tyr)

Gene: CLN3 (CLN3 lysosomal/endosomal transmembrane protein, battenin; minus strand). Cytogenetic location: 16p12.1.
Variant type: single nucleotide variant.
Coding change: c.644C>A on transcript NM_001042432.2 (MANE Select); coding-DNA position 644, C replaced by A.
Protein change: p.Ser215Tyr; replaces serine 215 with tyrosine.
Molecular consequence: missense variant.
Genome position (GRCh38, 1-based): chr16:28,486,380, G>T on the plus strand (C>A on the coding strand, the complement: CLN3 is on the minus strand). VCF-style: chr16-28486380-G-T. GRCh37 (hg19) VCF-style: chr16-28497701-G-T.
Other names: c.644C>A, p.Ser215Tyr (NM_000086.2); c.572C>A, p.Ser191Tyr (NM_001286104.2); c.344C>A, p.Ser115Tyr (NM_001286105.2); c.410C>A, p.Ser137Tyr (NM_001286109.2); c.482C>A, p.Ser161Tyr (NM_001286110.2); short protein forms S215Y, S137Y, S115Y, S161Y, S191Y.
Identifiers: ClinVar variation 581864 (VCV000581864.10), dbSNP rs1328657534, ClinGen allele CA395345233.